The following is an entry in ClinVar:

ClinVar aggregate classification (germline): Uncertain significance. Review status: criteria provided, multiple submitters, no conflicts (2 of 4 stars). 2 submissions from 2 submitters: Uncertain significance (2). Last evaluated 2024-03-27.

Conditions:
Hereditary cancer-predisposing syndrome. Also called: Tumor predisposition; Neoplastic Syndromes, Hereditary; Hereditary Cancer Syndrome; Hereditary neoplastic syndrome. Identifiers: Orphanet 140162, MedGen C0027672, MeSH D009386, MONDO:0015356.
Neuroblastoma, susceptibility to, 3. Also called: ALK-Related Neuroblastic Tumor Susceptibility. Identifiers: Orphanet 635, MedGen C2751681, MONDO:0013083, OMIM 613014.

Submissions (2):

Ambry Genetics
Classification: Uncertain significance for Hereditary cancer-predisposing syndrome. Last evaluated: 2024-03-27. Review status: criteria provided, single submitter. Criteria: Ambry Variant Classification Scheme 2023. Collection method: clinical testing. Allele origin: germline.
Comment: The p.P1094L variant (also known as c.3281C>T), located in coding exon 20 of the ALK gene, results from a C to T substitution at nucleotide position 3281. The proline at codon 1094 is replaced by leucine, an amino acid with similar properties. This amino acid position is conserved. In addition, this alteration is predicted to be deleterious by in silico analysis. Based on the available evidence, the clinical significance of this alteration remains unclear.

Baylor Genetics
Classification: Uncertain significance for Neuroblastoma, susceptibility to, 3. Last evaluated: 2023-08-21. Review status: criteria provided, single submitter. Criteria: ACMG Guidelines, 2015. Collection method: clinical testing. Allele origin: unknown.

NM_004304.5(ALK):c.3281C>T (p.Pro1094Leu)

Gene: ALK (ALK receptor tyrosine kinase; minus strand). Cytogenetic location: 2p23.2.
Variant type: single nucleotide variant.
Coding change: c.3281C>T on transcript NM_004304.5 (MANE Select); coding-DNA position 3281, C replaced by T.
Protein change: p.Pro1094Leu; replaces proline 1094 with leucine.
Molecular consequence: missense variant.
Genome position (GRCh38, 1-based): chr2:29,223,420, G>A on the plus strand (C>T on the coding strand, the complement: ALK is on the minus strand). VCF-style: chr2-29223420-G-A. GRCh37 (hg19) VCF-style: chr2-29446286-G-A.
Other names: c.3281C>T (NM_004304.4); c.77C>T, p.Pro26Leu (NM_001353765.2); short protein forms P1094L, P26L.
Identifiers: ClinVar variation 2675995 (VCV002675995.2), dbSNP rs1669862488, ClinGen allele CA346464944.